The following is an entry in ClinVar:

ClinVar aggregate classification (germline): Uncertain significance. Review status: criteria provided, multiple submitters, no conflicts (2 of 4 stars). 2 submissions from 2 submitters: Uncertain significance (2). Last evaluated 2025-12-09.

Conditions:
Cardiovascular phenotype. Identifiers: MedGen CN230736.
Catecholaminergic polymorphic ventricular tachycardia 1. Also called: RYR2-Related Catecholaminergic Polymorphic Ventricular Tachycardia; VENTRICULAR TACHYCARDIA, CATECHOLAMINERGIC POLYMORPHIC, 1, WITH OR WITHOUT ATRIAL DYSFUNCTION AND/OR DILATED CARDIOMYOPATHY; VENTRICULAR TACHYCARDIA, STRESS-INDUCED POLYMORPHIC 1. Identifiers: Orphanet 3286, MedGen C1631597, MONDO:0011484, OMIM 604772.

gnomAD v4.1: 3 of 1,614,100 alleles (0.00019%); highest among the groups gnomAD compares: Non-Finnish European, 0.00025%; no homozygotes.

Submissions (2):

Ambry Genetics
Classification: Uncertain significance for Cardiovascular phenotype. Last evaluated: 2025-12-09. Review status: criteria provided, single submitter. Criteria: Ambry Variant Classification Scheme 2023. Collection method: clinical testing. Allele origin: germline.

Labcorp Genetics (formerly Invitae), Labcorp
Classification: Uncertain significance for Catecholaminergic polymorphic ventricular tachycardia 1. Last evaluated: 2021-08-27. Review status: criteria provided, single submitter. Criteria: Invitae Variant Classification Sherloc (09022015). Collection method: clinical testing. Allele origin: germline.
Comment: This sequence change replaces proline with arginine at codon 299 of the CASQ2 protein (p.Pro299Arg). The proline residue is highly conserved and there is a moderate physicochemical difference between proline and arginine. This variant is not present in population databases (ExAC no frequency). This variant has not been reported in the literature in individuals affected with CASQ2-related conditions. Algorithms developed to predict the effect of missense changes on protein structure and function (SIFT, PolyPhen-2, Align-GVGD) all suggest that this variant is likely to be disruptive. In summary, the available evidence is currently insufficient to determine the role of this variant in disease. Therefore, it has been classified as a Variant of Uncertain Significance.

NM_001232.4(CASQ2):c.896C>G (p.Pro299Arg)

Gene: CASQ2 (calsequestrin 2; minus strand). Cytogenetic location: 1p13.1.
Variant type: single nucleotide variant.
Coding change: c.896C>G on transcript NM_001232.4 (MANE Select); coding-DNA position 896, C replaced by G.
Protein change: p.Pro299Arg; replaces proline 299 with arginine.
Molecular consequence: missense variant.
Genome position (GRCh38, 1-based): chr1:115,705,235, G>C on the plus strand (C>G on the coding strand, the complement: CASQ2 is on the minus strand). VCF-style: chr1-115705235-G-C. GRCh37 (hg19) VCF-style: chr1-116247856-G-C.
Other names: c.896C>G (NM_001232.3); short protein forms P299R.
Identifiers: ClinVar variation 1362793 (VCV001362793.7), dbSNP rs974622106, ClinGen allele CA29614658.